The following is an entry in ClinVar:

NM_177924.5(ASAH1):c.786-2A>G

Gene: ASAH1 (N-acylsphingosine amidohydrolase 1; minus strand). Cytogenetic location: 8p22.
Variant type: single nucleotide variant.
Coding change: c.786-2A>G on transcript NM_177924.5 (MANE Select); the canonical splice acceptor site of the intron before coding-DNA position 786, A replaced by G.
Molecular consequence: splice acceptor variant.
Genome position (GRCh38, 1-based): chr8:18,059,705, T>C on the plus strand (A>G on the coding strand, the complement: ASAH1 is on the minus strand). VCF-style: chr8-18059705-T-C. GRCh37 (hg19) VCF-style: chr8-17917214-T-C.
Other names: c.834-2A>G (NM_004315.6); c.768-2A>G (NM_001127505.3); c.591-2A>G (NM_001363743.2).
Identifiers: ClinVar variation 1466316 (VCV001466316.9), dbSNP rs2117019094, ClinGen allele CA370428472.

ClinVar aggregate classification (germline): Likely pathogenic. Review status: criteria provided, multiple submitters, no conflicts (2 of 4 stars). 2 submissions from 2 submitters: Likely pathogenic (2). Last evaluated 2021-04-17.

Conditions:
ASAH1-related disorders. Also called: ASAH1-related condition; ASAH1-related disorder. Identifiers: MedGen CN376120, MONDO:0800460.

Submissions (2):

Labcorp Genetics (formerly Invitae), Labcorp
Classification: Likely pathogenic. Last evaluated: 2021-04-17. Review status: criteria provided, single submitter. Criteria: Invitae Variant Classification Sherloc (09022015). Collection method: clinical testing. Allele origin: germline.
Comment: In summary, the currently available evidence indicates that the variant is pathogenic, but additional data are needed to prove that conclusively. Therefore, this variant has been classified as Likely Pathogenic. Algorithms developed to predict the effect of sequence changes on RNA splicing suggest that this variant may disrupt the consensus splice site, but this prediction has not been confirmed by published transcriptional studies. This variant has not been reported in the literature in individuals with ASAH1-related conditions. This variant is not present in population databases (ExAC no frequency). This sequence change affects an acceptor splice site in intron 10 of the ASAH1 gene. It is expected to disrupt RNA splicing. Variants that disrupt the donor or acceptor splice site typically lead to a loss of protein function (PMID: 16199547), and loss-of-function variants in ASAH1 are known to be pathogenic (PMID: 24164096, 24355074).

Blueprint Genetics
Classification: Likely pathogenic for ASAH1-related disorders. Last evaluated: 2020-02-20. Review status: criteria provided, single submitter. Criteria: ACMG Guidelines, 2015. Collection method: clinical testing. Allele origin: germline. Affected: yes. Observed: 3 variant alleles.

Literature cited by the submitters: PubMed 16199547 (cited by Labcorp Genetics (formerly Invitae), Labcorp); PubMed 24164096 (cited by Labcorp Genetics (formerly Invitae), Labcorp); PubMed 24355074 (cited by Labcorp Genetics (formerly Invitae), Labcorp).